The following is an entry in ClinVar:

ClinVar aggregate classification (germline): Uncertain significance. Review status: criteria provided, multiple submitters, no conflicts (2 of 4 stars). 2 submissions from 2 submitters: Uncertain significance (2). Last evaluated 2024-10-24.

Conditions:
Spastic paraplegia. Identifiers: MedGen C0037772, HP:0001258.
Inborn genetic diseases. Identifiers: MedGen C0950123, MeSH D030342.

Allele frequency attached by ClinVar (database versions not stated): gnomAD exomes 0.00001; ExAC 0.00003; gnomAD 0.00009; TOPMed 0.00012; ESP Exome Variant Server 0.00015.
gnomAD v4.1: 23 of 1,614,106 alleles (0.0014%); highest among the groups gnomAD compares: African/African-American, 0.029%; no homozygotes.

Submissions (2):

Labcorp Genetics (formerly Invitae), Labcorp
Classification: Uncertain significance for Spastic paraplegia. Last evaluated: 2024-10-24. Review status: criteria provided, single submitter. Criteria: Invitae Variant Classification Sherloc (09022015). Collection method: clinical testing. Allele origin: germline.
Comment: This sequence change replaces threonine, which is neutral and polar, with proline, which is neutral and non-polar, at codon 2219 of the ZFYVE26 protein (p.Thr2219Pro). This variant is present in population databases (rs146428262, gnomAD 0.05%). This variant has not been reported in the literature in individuals affected with ZFYVE26-related conditions. ClinVar contains an entry for this variant (Variation ID: 2155283). An algorithm developed to predict the effect of missense changes on protein structure and function (PolyPhen-2) suggests that this variant¬†is likely to be tolerated. In summary, the available evidence is currently insufficient to determine the role of this variant in disease. Therefore, it has been classified as a Variant of Uncertain Significance.

Ambry Genetics
Classification: Uncertain significance for Inborn genetic diseases. Last evaluated: 2024-10-06. Review status: criteria provided, single submitter. Criteria: Ambry Variant Classification Scheme 2023. Collection method: clinical testing. Allele origin: germline.

NM_015346.4(ZFYVE26):c.6655A>C (p.Thr2219Pro)

Gene: ZFYVE26 (zinc finger FYVE-type containing 26; minus strand). Cytogenetic location: 14q24.1.
Variant type: single nucleotide variant.
Coding change: c.6655A>C on transcript NM_015346.4 (MANE Select); coding-DNA position 6655, A replaced by C.
Protein change: p.Thr2219Pro; replaces threonine 2219 with proline.
Molecular consequence: missense variant.
Genome position (GRCh38, 1-based): chr14:67,756,079, T>G on the plus strand (A>C on the coding strand, the complement: ZFYVE26 is on the minus strand). VCF-style: chr14-67756079-T-G. GRCh37 (hg19) VCF-style: chr14-68222796-T-G.
Other names: c.6655A>C (NM_015346.3); short protein forms T2219P.
Identifiers: ClinVar variation 2155283 (VCV002155283.3), dbSNP rs146428262, ClinGen allele CA7239161.